The following is an entry in ClinVar:

ClinVar aggregate classification (germline): Uncertain significance (1 of 4 stars; one submission).

Submission:

Labcorp Genetics (formerly Invitae), Labcorp
Classification: Uncertain significance. Last evaluated: 2021-05-20. Review status: criteria provided, single submitter. Criteria: Invitae Variant Classification Sherloc (09022015). Collection method: clinical testing. Allele origin: germline.
Comment: In summary, the available evidence is currently insufficient to determine the role of this variant in disease. Therefore, it has been classified as a Variant of Uncertain Significance. Algorithms developed to predict the effect of missense changes on protein structure and function (SIFT, PolyPhen-2, Align-GVGD) all suggest that this variant is likely to be disruptive, but these predictions have not been confirmed by published functional studies and their clinical significance is uncertain. This variant has not been reported in the literature in individuals with TONSL-related conditions. This variant is not present in population databases (ExAC no frequency). This sequence change replaces threonine with isoleucine at codon 600 of the TONSL protein (p.Thr600Ile). The threonine residue is highly conserved and there is a moderate physicochemical difference between threonine and isoleucine.

NM_013432.5(TONSL):c.1799C>T (p.Thr600Ile)

Genes: TONSL (tonsoku like, DNA repair protein; minus strand), TONSL-AS1 (TONSL antisense RNA 1; plus strand). Cytogenetic location: 8q24.3.
Variant type: single nucleotide variant.
Coding change: c.1799C>T on transcript NM_013432.5 (MANE Select); coding-DNA position 1799, C replaced by T.
Protein change: p.Thr600Ile; replaces threonine 600 with isoleucine.
Molecular consequence: missense variant. On other transcripts: non-coding transcript variant (1).
Genome position (GRCh38, 1-based): chr8:144,436,848, G>A on the plus strand (C>T on the coding strand, the complement: TONSL is on the minus strand). VCF-style: chr8-144436848-G-A. GRCh37 (hg19) VCF-style: chr8-145662231-G-A.
Other names: short protein forms T600I.
Identifiers: ClinVar variation 1396734 (VCV001396734.8), dbSNP rs762039973, ClinGen allele CA372661710.